The following is an entry in ClinVar:

ClinVar aggregate classification (germline): Uncertain significance (1 of 4 stars; one submission).

Conditions:
Nemaline myopathy 2 (NEM2). Also called: Nemaline myopathy 2, autosomal recessive. Identifiers: MedGen C1850569, MONDO:0009725, OMIM 256030.

Submission:

Myriad Genetics, Inc.
Classification: Uncertain significance for Nemaline myopathy 2. Last evaluated: 2026-07-27. Review status: criteria provided, single submitter. Criteria: Myriad Autosomal Dominant, Autosomal Recessive and X-Linked Classification Criteria (2023). Collection method: clinical testing. Allele origin: unknown.
Comment: NM_001271208.1(NEB):c.9030_9032delGAA(K3011del) is an in-frame deletion classified as a variant of uncertain significance in the context of NEB-related nemaline myopathy. K3011del has not been observed in cases with relevant disease. Relevant functional assessments of this variant are not available in the literature. K3011del has not been observed in referenced population frequency databases. In summary, there is insufficient evidence to classify NM_001271208.1(NEB):c.9030_9032delGAA(K3011del) as pathogenic or benign. Please note: this variant was assessed in the context of healthy population screening.

NM_001164508.2(NEB):c.9027GAA[1] (p.Lys3011del)

Gene: NEB (nebulin; minus strand). Cytogenetic location: 2q23.3.
Variant type: Microsatellite.
Coding change: c.9027GAA[1] on transcript NM_001164508.2 (MANE Select); one copy of the 3-base unit GAA starting at c.9027; the reference has two copies in a row; one copy, 3 bases deleted.
Protein change: p.Lys3011del; deletes lysine 3011.
Molecular consequence: inframe deletion. On other transcripts: intron variant (1).
Genome position (GRCh38, 1-based): chr2:151,636,297-151,636,299, TTC deleted on the plus strand (GAA on the coding strand, the reverse complement: NEB is on the minus strand); deleting any 3 consecutive bases within chr2:151,636,297-151,636,304 gives the same sequence; the position shown is the placement nearest the transcript's 3' end. VCF-style (leftmost placement, unchanged base first): chr2-151636296-TTTC-T. GRCh37 (hg19) VCF-style: chr2-152492810-TTTC-T.
Other names: c.9027GAA[1], p.Lys3011del (NM_001164507.2, NM_001271208.2); c.8853+3594_8853+3596del (NM_004543.5); short protein forms K3011del.
Identifiers: ClinVar variation 5004812 (VCV005004812.1).